The following is an entry in ClinVar:

ClinVar aggregate classification (germline): Pathogenic (1 of 4 stars; one submission).

Conditions:
Alstrom syndrome (ALMS). Identifiers: Orphanet 64, MedGen C0268425, MONDO:0008763, OMIM 203800.

Submission:

Labcorp Genetics (formerly Invitae), Labcorp
Classification: Pathogenic for Alstrom syndrome. Last evaluated: 2024-02-03. Review status: criteria provided, single submitter. Criteria: Invitae Variant Classification Sherloc (09022015). Collection method: clinical testing. Allele origin: germline.
Comment: This sequence change creates a premature translational stop signal (p.Ser1893Argfs*4) in the ALMS1 gene. It is expected to result in an absent or disrupted protein product. Loss-of-function variants in ALMS1 are known to be pathogenic (PMID: 17594715). This variant is not present in population databases (gnomAD no frequency). This variant has not been reported in the literature in individuals affected with ALMS1-related conditions. For these reasons, this variant has been classified as Pathogenic.

Literature cited by the submitters: PubMed 17594715.

NM_001378454.1(ALMS1):c.5673_5731del (p.Ser1892fs)

Gene: ALMS1 (ALMS1 centrosome and basal body associated protein; plus strand). Cytogenetic location: 2p13.1.
Variant type: Deletion.
Coding change: c.5673_5731del on transcript NM_001378454.1 (MANE Select); coding-DNA positions 5673 to 5731, 59 bases deleted.
Protein change: p.Ser1892fs; shifts the reading frame from serine 1892.
Molecular consequence: frameshift variant.
Genome position (GRCh38, 1-based): chr2:73,452,200-73,452,258, 59 bases deleted. GRCh37 (hg19): chr2:73,679,327-73,679,385.
Other names: c.5676_5734del, p.Ser1893fs (NM_015120.4); short protein forms S1892fs, S1893fs.
Identifiers: ClinVar variation 3668222 (VCV003668222.2).